The following is an entry in ClinVar:

ClinVar aggregate classification (germline): Benign/Likely benign. Review status: criteria provided, multiple submitters, no conflicts (2 of 4 stars). 4 submissions from 4 submitters: Benign (1); Likely benign (3). Last evaluated 2026-04-19.

Conditions:
Prostate cancer, hereditary, 9 (HPC9). Identifiers: Orphanet 1331, MedGen C1970250, MONDO:0012597, OMIM 610997.
Hereditary cancer-predisposing syndrome. Also called: Neoplastic Syndromes, Hereditary; Hereditary neoplastic syndrome; Hereditary Cancer Syndrome; Tumor predisposition. Identifiers: Orphanet 140162, MedGen C0027672, MeSH D009386, MONDO:0015356.

Allele frequency attached by ClinVar (database versions not stated): ExAC 0.00001.
gnomAD v4.1: 1 of 1,614,180 alleles (0.000062%); no homozygotes.

Submissions (4):

Women's Health and Genetics/Laboratory Corporation of America, LabCorp
Classification: Likely benign. Last evaluated: 2026-04-19. Review status: criteria provided, single submitter. Criteria: LabCorp Variant Classification Summary - May 2015. Collection method: clinical testing. Allele origin: germline.

Myriad Genetics, Inc.
Classification: Benign for Prostate cancer, hereditary, 9. Last evaluated: 2024-10-29. Review status: criteria provided, single submitter. Criteria: Myriad Autosomal Dominant, Autosomal Recessive and X-Linked Classification Criteria (2023). Collection method: clinical testing. Allele origin: unknown.
Comment: This variant is considered benign. This variant is a silent/synonymous amino acid change and it is not expected to impact splicing.

Labcorp Genetics (formerly Invitae), Labcorp
Classification: Likely benign. Last evaluated: 2024-05-22. Review status: criteria provided, single submitter. Criteria: Invitae Variant Classification Sherloc (09022015). Collection method: clinical testing. Allele origin: germline.

Ambry Genetics
Classification: Likely benign for Hereditary cancer-predisposing syndrome. Last evaluated: 2022-04-05. Review status: criteria provided, single submitter. Criteria: Ambry Variant Classification Scheme 2023. Collection method: clinical testing. Allele origin: germline.

NM_006361.6(HOXB13):c.345G>T (p.Thr115=)

Gene: HOXB13 (homeobox B13; minus strand). Cytogenetic location: 17q21.32.
Variant type: single nucleotide variant.
Coding change: c.345G>T on transcript NM_006361.6 (MANE Select); coding-DNA position 345, G replaced by T.
Protein change: p.Thr115=; no amino-acid change (threonine 115 retained).
Molecular consequence: synonymous variant.
Genome position (GRCh38, 1-based): chr17:48,728,249, C>A on the plus strand (G>T on the coding strand, the complement: HOXB13 is on the minus strand). VCF-style: chr17-48728249-C-A. GRCh37 (hg19) VCF-style: chr17-46805611-C-A.
Identifiers: ClinVar variation 1120799 (VCV001120799.13), dbSNP rs758798025, ClinGen allele CA8634004.